The following is an entry in ClinVar:

ClinVar aggregate classification (germline): Uncertain significance (1 of 4 stars; one submission).

gnomAD v4.1: 115 of 1,613,416 alleles (0.0071%); highest among the groups gnomAD compares: East Asian, 0.23%; no homozygotes.

Submission:

Labcorp Genetics (formerly Invitae), Labcorp
Classification: Uncertain significance. Last evaluated: 2025-01-10. Review status: criteria provided, single submitter. Criteria: Invitae Variant Classification Sherloc (09022015). Collection method: clinical testing. Allele origin: germline.
Comment: This sequence change replaces isoleucine, which is neutral and non-polar, with valine, which is neutral and non-polar, at codon 67 of the TFAM protein (p.Ile67Val). This variant is present in population databases (rs138243284, gnomAD 0.1%), and has an allele count higher than expected for a pathogenic variant. This variant has not been reported in the literature in individuals affected with TFAM-related conditions. Invitae Evidence Modeling of protein sequence and biophysical properties (such as structural, functional, and spatial information, amino acid conservation, physicochemical variation, residue mobility, and thermodynamic stability) indicates that this missense variant is not expected to disrupt TFAM protein function with a negative predictive value of 80%. In summary, the available evidence is currently insufficient to determine the role of this variant in disease. Therefore, it has been classified as a Variant of Uncertain Significance.

NM_003201.3(TFAM):c.199A>G (p.Ile67Val)

Gene: TFAM (transcription factor A, mitochondrial; plus strand). Cytogenetic location: 10q21.1.
Variant type: single nucleotide variant.
Coding change: c.199A>G on transcript NM_003201.3 (MANE Select); coding-DNA position 199, A replaced by G.
Protein change: p.Ile67Val; replaces isoleucine 67 with valine.
Molecular consequence: missense variant. On other transcripts: non-coding transcript variant (1).
Genome position (GRCh38, 1-based): chr10:58,386,317, A>G. VCF-style: chr10-58386317-A-G. GRCh37 (hg19) VCF-style: chr10-60146077-A-G.
Other names: c.199A>G, p.Ile67Val (NM_001270782.2); short protein forms I67V.
Identifiers: ClinVar variation 3605130 (VCV003605130.2).